The following is an entry in ClinVar:

ClinVar aggregate classification (somatic clinical impact): Tier II - Potential (1 of 4 stars; one submission).

Conditions:
Embryonal rhabdomyosarcoma (ERMS). Also called: Botryoid rhabdomyosarcoma (type of ERMS); Spindle cell rhabdomyosarcomas (type of ERMS). Identifiers: Orphanet 99757, MedGen C0206656, MONDO:0009993, HP:0006743.

Submission:

Institute for Genomic Medicine (IGM) Clinical Laboratory, Nationwide Children's Hospital
Classification: Tier II - Potential for Embryonal rhabdomyosarcoma. Assertion type: diagnostic. Clinical significance: supports diagnosis. Last evaluated: 2023-12-19. Review status: criteria provided, single submitter. Criteria: AMP/ASCO/CAP Guidelines, 2017. Collection method: clinical testing. Allele origin: somatic. Affected: yes.
Comment: Variant has Tier II (potential) clinical significance as a diagnostic inclusion criterion in embryonal rhabdomyosarcoma, based on the following evidence: 1) Documented in one or more cancer databases (e.g., St. Jude Pecan, COSMIC, CIViC, OncoKB). 2) Appears in one or more well-established professional guidelines (e.g., World Health Organization [WHO]; National Comprehensive Cancer Network [NCCN]) as providing diagnostic, prognostic, or therapeutic information. 3) Diagnostic significance based on multiple small studies (Evidence Level C; PMIDs: 24436047, 34166060, 25768946).

Literature cited by the submitters: PubMed 24436047; PubMed 34166060; PubMed 25768946.

NM_001349798.2(FBXW7):c.1190G>A (p.Gly397Asp)

Gene: FBXW7 (F-box and WD repeat domain containing 7; minus strand). Cytogenetic location: 4q31.3.
Variant type: single nucleotide variant.
Coding change: c.1190G>A on transcript NM_001349798.2 (MANE Select); coding-DNA position 1190, G replaced by A.
Protein change: p.Gly397Asp; replaces glycine 397 with aspartic acid.
Molecular consequence: missense variant.
Genome position (GRCh38, 1-based): chr4:152,329,718, C>T on the plus strand (G>A on the coding strand, the complement: FBXW7 is on the minus strand). VCF-style: chr4-152329718-C-T. GRCh37 (hg19) VCF-style: chr4-153250870-C-T.
Other names: c.836G>A, p.Gly279Asp (NM_001013415.2); c.950G>A, p.Gly317Asp (NM_018315.5); c.1190G>A, p.Gly397Asp (NM_033632.3); short protein forms G279D, G317D, G397D.
Identifiers: ClinVar variation 4530539 (VCV004530539.1).